The following is an entry in ClinVar:

ClinVar aggregate classification (germline): Likely pathogenic (1 of 4 stars; one submission).

Conditions:
RFX7-related disorder. Also called: RFX7-related condition.

Submission:

PreventionGenetics, part of Exact Sciences
Classification: Likely pathogenic for RFX7-related condition. Last evaluated: 2022-12-21. Review status: criteria provided, single submitter. Criteria: ACMG Guidelines, 2015. Collection method: clinical testing. Allele origin: germline.
Comment: The RFX7 c.2052delC variant is predicted to result in premature protein termination (p.Ile685*). To our knowledge, this variant has not been reported in the literature or in a large population database, indicating this variant is rare. Nonsense variants in RFX7 are expected to be pathogenic. This variant is interpreted as likely pathogenic.

NM_022841.7(RFX7):c.2052del (p.Thr684_Ile685insTer)

Gene: RFX7 (regulatory factor X7; minus strand). Cytogenetic location: 15q21.3.
Variant type: Deletion.
Coding change: c.2052del on transcript NM_022841.7 (MANE Select); coding-DNA position 2052, one base deleted (C; older notation c.2052delC).
Protein change: p.Thr684_Ile685insTer.
Molecular consequence: frameshift variant.
Genome position (GRCh38, 1-based): chr15:56,095,676, G deleted on the plus strand (C on the coding strand, the reverse complement: RFX7 is on the minus strand); the first of 2 consecutive G bases (chr15:56,095,676-56,095,677); deleting either gives the same sequence. VCF-style (leftmost placement, unchanged base first): chr15-56095675-TG-T. GRCh37 (hg19) VCF-style: chr15-56387873-TG-T.
Other names: c.1761del, p.Thr587_Ile588insTer (NM_001368073.2, NM_001368074.1, NM_001370554.1); c.2052del, p.Thr684_Ile685insTer (NM_001370561.1).
Identifiers: ClinVar variation 2629767 (VCV002629767.1), dbSNP rs2504989200, ClinGen allele CA2695197288.